The following is an entry in ClinVar:

ClinVar aggregate classification (germline): Conflicting classifications of pathogenicity. Review status: criteria provided, conflicting classifications (1 of 4 stars). 6 submissions from 6 submitters: Uncertain significance (2); Likely benign (4). Last evaluated 2026-02-19.

Conditions:
Cardiovascular phenotype. Identifiers: MedGen CN230736.
Familial hypercholesterolemia. Also called: Familial hypercholesterolemias; Familial hypercholesterolaemia. Identifiers: MedGen C0020445, MONDO:0005439.
Hypercholesterolemia, autosomal dominant, 3 (FHCL3). Also called: Familial Hypercholesterolemia, Autosomal Dominant, 3; PCSK9-Related Familial Hypercholesterolemia, Autosomal Dominant; Familial hypercholesterolemia 3. Identifiers: MedGen C1863551, MONDO:0011369, OMIM 603776.

Allele frequency attached by ClinVar (database versions not stated): gnomAD exomes 0.00002; ExAC 0.00005; TOPMed 0.00008; gnomAD 0.00011; ESP Exome Variant Server 0.00016.

Submissions (6):

Ambry Genetics
Classification: Likely benign for Cardiovascular phenotype. Last evaluated: 2026-02-19. Review status: criteria provided, single submitter. Criteria: Ambry Variant Classification Scheme 2023. Collection method: clinical testing. Allele origin: germline.

Molecular Diagnostic Laboratory for Inherited Cardiovascular Disease, Montreal Heart Institute
Classification: Likely benign. Last evaluated: 2025-04-09. Review status: criteria provided, single submitter. Criteria: ACMG Guidelines, 2015. Collection method: clinical testing. Allele origin: germline. Affected: no.
Comment: BP4

Color Diagnostics, LLC DBA Color Health
Classification: Likely benign for Familial hypercholesterolemia. Last evaluated: 2024-09-05. Review status: criteria provided, single submitter. Criteria: ACMG Guidelines, 2015. Collection method: clinical testing. Allele origin: germline.

All of Us Research Program, National Institutes of Health
Classification: Likely benign for Hypercholesterolemia, autosomal dominant, 3. Last evaluated: 2023-11-28. Review status: criteria provided, single submitter. Criteria: ACMG Guidelines, 2015. Collection method: clinical testing. Allele origin: germline. Inheritance: Autosomal dominant inheritance. Observed: 4 variant alleles, 4 heterozygotes.
Comment: This study involves interpretation of variants in research participants for the purpose of population health screening. Participant phenotype was not available at the time of variant classification. Additional details can be found in publication PMID: 35346344, PMCID: PMC8962531

Quest Diagnostics Nichols Institute San Juan Capistrano
Classification: Uncertain significance. Last evaluated: 2023-04-24. Review status: criteria provided, single submitter. Criteria: Quest Diagnostics criteria. Collection method: clinical testing. Allele origin: unknown.
Comment: To the best of our knowledge, the variant has not been reported in the published literature. The frequency of this variant in the general population, 0.00023 (4/17522 chromosomes in African/African American subpopulation), is higher than would generally be expected for pathogenic variants in this gene. Analysis of this variant using bioinformatics tools for the prediction of the effect of amino acid changes on protein structure and function yielded predictions that this variant is benign. Based on the available information, we are unable to determine the clinical significance of this variant.

Labcorp Genetics (formerly Invitae), Labcorp
Classification: Uncertain significance for Hypercholesterolemia, autosomal dominant, 3. Last evaluated: 2021-08-20. Review status: criteria provided, single submitter. Criteria: Invitae Variant Classification Sherloc (09022015). Collection method: clinical testing. Allele origin: germline.
Comment: This sequence change replaces arginine with histidine at codon 549 of the PCSK9 protein (p.Arg549His). The arginine residue is weakly conserved and there is a small physicochemical difference between arginine and histidine. This variant is present in population databases (rs111400659, ExAC 0.04%). This variant has not been reported in the literature in individuals affected with PCSK9-related conditions. ClinVar contains an entry for this variant (Variation ID: 922139). Advanced modeling of protein sequence and biophysical properties (such as structural, functional, and spatial information, amino acid conservation, physicochemical variation, residue mobility, and thermodynamic stability) performed at Invitae indicates that this missense variant is not expected to disrupt PCSK9 protein function. In summary, the available evidence is currently insufficient to determine the role of this variant in disease. Therefore, it has been classified as a Variant of Uncertain Significance.

NM_174936.4(PCSK9):c.1646G>A (p.Arg549His)

Gene: PCSK9 (proprotein convertase subtilisin/kexin type 9; plus strand). Cytogenetic location: 1p32.3.
Variant type: single nucleotide variant.
Coding change: c.1646G>A on transcript NM_174936.4 (MANE Select); coding-DNA position 1646, G replaced by A.
Protein change: p.Arg549His; replaces arginine 549 with histidine.
Molecular consequence: missense variant.
Genome position (GRCh38, 1-based): chr1:55,059,628, G>A. VCF-style: chr1-55059628-G-A. GRCh37 (hg19) VCF-style: chr1-55525301-G-A.
Other names: c.1769G>A, p.Arg590His (NM_001407240.1); c.1688G>A, p.Arg563His (NM_001407241.1); c.1649G>A, p.Arg550His (NM_001407242.1); c.1589G>A, p.Arg530His (NM_001407243.1); c.1472G>A, p.Arg491His (NM_001407244.1); c.1454G>A, p.Arg485His (NM_001407245.1); c.1271G>A, p.Arg424His (NM_001407246.1); short protein forms R549H, R491H, R550H, R563H, R590H, R485H, R424H, R530H.
Identifiers: ClinVar variation 922139 (VCV000922139.12), dbSNP rs111400659, ClinGen allele CA038232.
Genomic context (GRCh38, chr1:55,059,628, plus strand): 5'-TACCCCAGGCCAACTGCAGCGTCCACACAGCTCCACCAGCTGAGGCCAGCATGGGGACCC[G>A]TGTCCACTGCCACCAACAGGGCCACGTCCTCACAGGTAGGAGGCTGGGCTTGCCCTGGGG-3'
Protein context (NP_777596.2, residues 539-559): APPAEASMGT[Arg549His]VHCHQQGHVL